The following is an entry in ClinVar:

ClinVar aggregate classification (germline): Likely benign (0 of 4 stars; one submission).

Conditions:
SV2B-related disorder. Also called: SV2B-related condition.

Allele frequency attached by ClinVar (database versions not stated): gnomAD 0.00005; TOPMed 0.00014; 1000 Genomes Project 0.00020; 1000 Genomes Project 30x 0.00031; ExAC 0.00036.
gnomAD v4.1: 151 of 1,613,994 alleles (0.0094%); highest among the groups gnomAD compares: Admixed American, 0.24%; no homozygotes.

Submission:

PreventionGenetics, part of Exact Sciences
Classification: Likely benign for SV2B-related condition. Last evaluated: 2022-07-28. Review status: no assertion criteria provided. Collection method: clinical testing. Allele origin: germline.
Comment: This variant is classified as likely benign based on ACMG/AMP sequence variant interpretation guidelines (Richards et al. 2015 PMID: 25741868, with internal and published modifications).

NM_001323032.3(SV2B):c.1085G>A (p.Arg362His)

Gene: SV2B (synaptic vesicle glycoprotein 2B; plus strand). Cytogenetic location: 15q26.1.
Variant type: single nucleotide variant.
Coding change: c.1085G>A on transcript NM_001323032.3 (MANE Select); coding-DNA position 1085, G replaced by A.
Protein change: p.Arg362His; replaces arginine 362 with histidine.
Molecular consequence: missense variant.
Genome position (GRCh38, 1-based): chr15:91,266,658, G>A. VCF-style: chr15-91266658-G-A. GRCh37 (hg19) VCF-style: chr15-91809888-G-A.
Other names: c.632G>A, p.Arg211His (NM_001167580.3, NM_001323040.3); c.1085G>A, p.Arg362His (NM_001323031.2, NM_001323034.3, NM_001323037.3 and 3 more transcripts); c.752G>A, p.Arg251His (NM_001323033.3); c.656G>A, p.Arg219His (NM_001323036.3); short protein forms R211H, R219H, R251H, R362H.
Identifiers: ClinVar variation 3039842 (VCV003039842.2), dbSNP rs146788122, ClinGen allele CA7745536.